The following is an entry in ClinVar:

NM_015338.6(ASXL1):c.4085C>A (p.Ala1362Asp)

Gene: ASXL1 (ASXL transcriptional regulator 1; plus strand). Cytogenetic location: 20q11.21.
Variant type: single nucleotide variant.
Coding change: c.4085C>A on transcript NM_015338.6 (MANE Select); coding-DNA position 4085, C replaced by A.
Protein change: p.Ala1362Asp; replaces alanine 1362 with aspartic acid.
Molecular consequence: missense variant.
Genome position (GRCh38, 1-based): chr20:32,436,797, C>A. VCF-style: chr20-32436797-C-A. GRCh37 (hg19) VCF-style: chr20-31024600-C-A.
Other names: c.3902C>A, p.Ala1301Asp (NM_001363734.1); short protein forms A1362D, A1301D.
Identifiers: ClinVar variation 4158539 (VCV004158539.1).

ClinVar aggregate classification (germline): Uncertain significance (1 of 4 stars; one submission).

Conditions:
Inborn genetic diseases. Identifiers: MedGen C0950123, MeSH D030342.

Submission:

Ambry Genetics
Classification: Uncertain significance for Inborn genetic diseases. Last evaluated: 2025-08-02. Review status: criteria provided, single submitter. Criteria: Ambry Variant Classification Scheme 2023. Collection method: clinical testing. Allele origin: germline.
Comment: The p.A1362D variant (also known as c.4085C>A), located in coding exon 13 of the ASXL1 gene, results from a C to A substitution at nucleotide position 4085. The alanine at codon 1362 is replaced by aspartic acid, an amino acid with dissimilar properties. This amino acid position is conserved. In addition, this alteration is predicted to be tolerated by in silico analysis. Based on the available evidence, the clinical significance of this variant remains unclear.